The following is an entry in ClinVar:

NM_001369268.1(ACAN):c.1681C>T (p.Arg561Cys)

Gene: ACAN (aggrecan; plus strand). Cytogenetic location: 15q26.1.
Variant type: single nucleotide variant.
Coding change: c.1681C>T on transcript NM_001369268.1 (MANE Select); coding-DNA position 1681, C replaced by T.
Protein change: p.Arg561Cys; replaces arginine 561 with cysteine.
Molecular consequence: missense variant.
Genome position (GRCh38, 1-based): chr15:88,847,987, C>T. VCF-style: chr15-88847987-C-T. GRCh37 (hg19) VCF-style: chr15-89391218-C-T.
Other names: c.1681C>T, p.Arg561Cys (NM_001135.4, NM_001411096.1, NM_001411097.1 and 1 more transcripts); short protein forms R561C.
Identifiers: ClinVar variation 3015915 (VCV003015915.3), dbSNP rs780224333, ClinGen allele CA7719636.

ClinVar aggregate classification (germline): Uncertain significance (1 of 4 stars; one submission).

Allele frequency attached by ClinVar (database versions not stated): ExAC 0.00002; TOPMed 0.00004; gnomAD 0.00003.
gnomAD v4.1: 53 of 1,613,830 alleles (0.0033%); highest among the groups gnomAD compares: Non-Finnish European, 0.0039%; no homozygotes.

Submission:

Labcorp Genetics (formerly Invitae), Labcorp
Classification: Uncertain significance. Last evaluated: 2025-03-17. Review status: criteria provided, single submitter. Criteria: Invitae Variant Classification Sherloc (09022015). Collection method: clinical testing. Allele origin: germline.
Comment: This sequence change replaces arginine, which is basic and polar, with cysteine, which is neutral and slightly polar, at codon 561 of the ACAN protein (p.Arg561Cys). This variant is present in population databases (rs780224333, gnomAD 0.006%). This variant has not been reported in the literature in individuals affected with ACAN-related conditions. ClinVar contains an entry for this variant (Variation ID: 3015915). Invitae Evidence Modeling of protein sequence and biophysical properties (such as structural, functional, and spatial information, amino acid conservation, physicochemical variation, residue mobility, and thermodynamic stability) indicates that this missense variant is not expected to disrupt ACAN protein function with a negative predictive value of 80%. In summary, the available evidence is currently insufficient to determine the role of this variant in disease. Therefore, it has been classified as a Variant of Uncertain Significance.